The following is an entry in ClinVar:

ClinVar aggregate classification (germline): Conflicting classifications of pathogenicity. Review status: criteria provided, conflicting classifications (1 of 4 stars). 4 submissions from 4 submitters: Likely pathogenic (1); Uncertain significance (2). 1 of the submissions does not count toward it. Last evaluated 2025-03-11.

Conditions:
Hemoglobinopathy. Also called: Haemoglobinopathies; Hemoglobin disorder. Identifiers: MedGen C0019045, MONDO:0044348.
HEMOGLOBIN KHARTOUM.

Allele frequency attached by ClinVar (database versions not stated): gnomAD 0.00001; TOPMed below 0.00001.
gnomAD v4.1: 1 of 1,613,798 alleles (0.000062%); highest among the groups gnomAD compares: Non-Finnish European, 0.000085%; no homozygotes.

Submissions (4):

ARUP Laboratories, Molecular Genetics and Genomics, ARUP Laboratories
Classification: Uncertain significance. Last evaluated: 2025-03-11. Review status: criteria provided, single submitter. Criteria: ARUP Molecular Germline Variant Investigation Process 2024. Collection method: clinical testing. Allele origin: germline.
Comment: The Hb Khartoum variant (HBB: c.374C>G p.Pro125Arg, also known as Pro124Arg when numbered from the mature protein, rs33983276, HbVar ID: 515) is reported in the heterozygous state in individuals with normal clinical presentation (Bayoumi 1999, Hendy 1999, see HbVar and references therein). However, its phenotype when found with a pathogenic HBB variant on the opposite chromosome is unknown. This variant is also reported in ClinVar (Variation ID: 15238), is but absent from the Genome Aggregation Database (v2.1.1), indicating it is not a common polymorphism. Computational analyses predict that this variant is deleterious (REVEL: 0.747). Due to limited information, the clinical significance of the Hb Khartoum variant is uncertain at this time. References: Link to HbVar database: Bayoumi RA et al. The association of Hb Khartoum (beta124(H2)Pro-->Arg) with gamma+-thalassemia is responsible for hemolytic disease in the newborn of a Sudanese family. Hemoglobin. 1999 Feb;23(1):33-45. PMID: 10081984. Hendy JG et al. Hb Khartoum (beta124(H2)Pro-->Arg) in a Vietnamese female. Hemoglobin. 1999 Aug;23(3):291-3. PMID: 10490144.

Quest Diagnostics Nichols Institute San Juan Capistrano
Classification: Uncertain significance. Last evaluated: 2024-08-19. Review status: criteria provided, single submitter. Criteria: Quest Diagnostics criteria. Collection method: clinical testing. Allele origin: unknown.
Comment: The HBB c.374C>G (p.Pro125Arg) variant (also known as Hb Khartoum or P124R) has been reported in the published literature to be mildly unstable, though without clinical or laboratory evidence of disease in heterozygous carriers (PMIDs: 5782115 (1969), 10490144 (1999), 26635043 (2016)). It was reported in one family where two heterozygous children were born with severe jaundice and required blood transfusions. In this family, gamma globin variants were considered to be involved and no further complications were observed (PMID: 10081984 (1999)). The frequency of this variant in the general population, 0.000015 (1/68028 chromosomes (Genome Aggregation Database)), is uninformative in the assessment of its pathogenicity. Analysis of this variant using bioinformatics tools for the prediction of the effect of amino acid changes on protein structure and function yielded predictions that this variant is damaging. Based on the available information, we are unable to determine the clinical significance of this variant.

Women's Health and Genetics/Laboratory Corporation of America, LabCorp
Classification: Likely pathogenic for Hemoglobinopathy. Last evaluated: 2018-12-20. Review status: criteria provided, single submitter. Criteria: LabCorp Variant Classification Summary - May 2015. Collection method: clinical testing. Allele origin: germline.
Comment: Variant summary: HBB c.374C>G (p.Pro125Arg) results in a non-conservative amino acid change in the encoded protein sequence. The variant is also reported in the literature as Hb Khartoum. Five of five in-silico tools predict a damaging effect of the variant on protein function. The variant was absent in 246070 control chromosomes (gnomAD). c.374C>G has been reported in the literature in a Sudanese family, together with potentially pathogenic variants in the A-gamma (HBG1) and G-gamma (HBG2) genes, in 2 newborns who were affected with severe neonatal jaundice at birth and chronic mild hemolytic anemia during the first year of life, and the variant showed complete segregation with the disease (Bayoumi 1999). At least one publication reported experimental evidence and demonstrated only minor changes in protein stability, concluding that the variant protein is probably not unstable in vivo, however no further functional studies (e.g. for oxygen binding properties) were performed (Clegg 1969). Other variants at the same nucleotide position have been reported as associated with disease (c.374C>A, c.374C>T in HGMD), as well as in adjacent codons (e.g. p.T124I and p.V127E), all of which support a pathogenic role for the variant. Several reputable databases have classified the variant as a causative variant (e.g. HbVar and Ithanet). Overall, these data indicate that the variant is likely to be associated with disease. Based on the evidence outlined above, the variant was classified as likely pathogenic.

OMIM
Classification: other for HEMOGLOBIN KHARTOUM. Last evaluated: 2017-12-12. Review status: no assertion criteria provided. Collection method: literature only. Allele origin: germline. Not counted in ClinVar's aggregate classification.

Literature cited by the submitters: PubMed 36401470 (cited by Quest Diagnostics Nichols Institute San Juan Capistrano); PubMed 23388674 (cited by Quest Diagnostics Nichols Institute San Juan Capistrano); PubMed 5782115 (cited by 3 submitters); PubMed 10490144 (cited by Quest Diagnostics Nichols Institute San Juan Capistrano and Women's Health and Genetics/Laboratory Corporation of America, LabCorp); PubMed 10081984 (cited by Quest Diagnostics Nichols Institute San Juan Capistrano and Women's Health and Genetics/Laboratory Corporation of America, LabCorp); PubMed 19429541 (cited by Quest Diagnostics Nichols Institute San Juan Capistrano and Women's Health and Genetics/Laboratory Corporation of America, LabCorp); PubMed 26635043 (cited by Quest Diagnostics Nichols Institute San Juan Capistrano and Women's Health and Genetics/Laboratory Corporation of America, LabCorp).

NM_000518.4(HBB):c.374C>G (p.Pro125Arg)

Genes: HBB (hemoglobin subunit beta; minus strand), LOC107133510 (origin of replication at HBB; plus strand), LOC110006319 (beta-globin gene 3' regulatory region; plus strand). Cytogenetic location: 11p15.4.
Variant type: single nucleotide variant.
Coding change: c.374C>G on transcript NM_000518.4; coding-DNA position 374, C replaced by G.
Protein change: p.Pro125Arg; replaces proline 125 with arginine.
Molecular consequence: missense variant (on NM_000518.5).
Genome position (GRCh38, 1-based): chr11:5,225,668, G>C on the plus strand (C>G on the coding strand, the complement: HBB is on the minus strand). VCF-style: chr11-5225668-G-C. GRCh37 (hg19) VCF-style: chr11-5246898-G-C.
Other names: P124R; c.374C>G, p.Pro125Arg (NM_000518.5); short protein forms P125R.
Identifiers: ClinVar variation 15238 (VCV000015238.6), dbSNP rs33983276, ClinGen allele CA124981.